The following is an entry in ClinVar:

ClinVar aggregate classification (germline): Uncertain significance (1 of 4 stars; one submission).

Submission:

Labcorp Genetics (formerly Invitae), Labcorp
Classification: Uncertain significance. Last evaluated: 2023-06-03. Review status: criteria provided, single submitter. Criteria: Invitae Variant Classification Sherloc (09022015). Collection method: clinical testing. Allele origin: germline.
Comment: This variant is not present in population databases (gnomAD no frequency). This variant has not been reported in the literature in individuals affected with KMT2A-related conditions. Advanced modeling of protein sequence and biophysical properties (such as structural, functional, and spatial information, amino acid conservation, physicochemical variation, residue mobility, and thermodynamic stability) performed at Invitae indicates that this missense variant is not expected to disrupt KMT2A protein function. In summary, the available evidence is currently insufficient to determine the role of this variant in disease. Therefore, it has been classified as a Variant of Uncertain Significance. This sequence change replaces aspartic acid, which is acidic and polar, with asparagine, which is neutral and polar, at codon 2093 of the KMT2A protein (p.Asp2093Asn).

NM_001197104.2(KMT2A):c.6277G>A (p.Asp2093Asn)

Gene: KMT2A (lysine methyltransferase 2A; plus strand). Cytogenetic location: 11q23.3.
Variant type: single nucleotide variant.
Coding change: c.6277G>A on transcript NM_001197104.2 (MANE Select); coding-DNA position 6277, G replaced by A.
Protein change: p.Asp2093Asn; replaces aspartic acid 2093 with asparagine.
Molecular consequence: missense variant.
Genome position (GRCh38, 1-based): chr11:118,501,105, G>A. VCF-style: chr11-118501105-G-A. GRCh37 (hg19) VCF-style: chr11-118371820-G-A.
Other names: c.6367G>A, p.Asp2123Asn (NM_001412597.1); c.6268G>A, p.Asp2090Asn (NM_005933.4); short protein forms D2090N, D2123N, D2093N.
Identifiers: ClinVar variation 2742093 (VCV002742093.3), dbSNP rs2496979731, ClinGen allele CA382801204.